The following is an entry in ClinVar:

NM_000138.5(FBN1):c.3945del (p.Gly1316fs)

Gene: FBN1 (fibrillin 1; minus strand). Cytogenetic location: 15q21.1.
Variant type: Deletion.
Coding change: c.3945del on transcript NM_000138.5 (MANE Select); coding-DNA position 3945, one base deleted (A; older notation c.3945delA).
Protein change: p.Gly1316fs; shifts the reading frame from glycine 1316.
Molecular consequence: frameshift variant.
Genome position (GRCh38, 1-based): chr15:48,481,674, T deleted on the plus strand (A on the coding strand, the reverse complement: FBN1 is on the minus strand); the first of 6 consecutive T bases (chr15:48,481,674-48,481,679); deleting any one gives the same sequence. VCF-style (leftmost placement, unchanged base first): chr15-48481673-CT-C. GRCh37 (hg19) VCF-style: chr15-48773870-CT-C.
Other names: c.3945delA (NM_000138.4); short protein forms G1316fs.
Identifiers: ClinVar variation 547314 (VCV000547314.2), dbSNP rs1555398144, ClinGen allele CA658824432.

ClinVar aggregate classification (germline): Pathogenic/Likely pathogenic. Review status: criteria provided, multiple submitters, no conflicts (2 of 4 stars). 2 submissions from 2 submitters: Pathogenic (1); Likely pathogenic (1). Last evaluated 2016-11-01.

Conditions:
Marfan syndrome (MFS). Also called: Marfan syndrome type 1; Marfan syndrome, classic; Marfan's syndrome; FBN1-Related Marfan Syndrome; MARFAN SYNDROME, TYPE I. Identifiers: Orphanet 284963, Orphanet 558, MedGen C0024796, MONDO:0007947, OMIM 154700.

Submissions (2):

Center for Human Genetics, Inc
Classification: Likely pathogenic for Marfan syndrome. Last evaluated: 2016-11-01. Review status: criteria provided, single submitter. Criteria: ACMG Guidelines, 2015. Collection method: clinical testing. Allele origin: germline. Affected: yes.

Juno Genomics, Hangzhou Juno Genomics, Inc
Classification: Pathogenic for Marfan syndrome. Review status: criteria provided, single submitter. Criteria: ACMG Guidelines, 2015. Collection method: clinical testing. Allele origin: germline. Affected: yes.
Comment: Absent from controls (or at extremely low frequency if recessive) in Genome Aggregation Database, Exome Sequencing Project, 1000 Genomes Project, or Exome Aggregation Consortium.;Null variant in a gene where loss of function (LOF) is a known mechanism of disease.;Assumed de novo, but without confirmation of paternity and maternity.